The following is an entry in ClinVar:

NC_000007.14:g.156791462T>C

Genes: LMBR1 (limb development membrane protein 1; minus strand), SHH (sonic hedgehog signaling molecule; minus strand), ZRS (ZPA regulatory sequence; plus strand). Cytogenetic location: 7q36.3.
Variant type: single nucleotide variant.
Molecular consequence: intron variant (on NM_022458.4).
Genome position: GRCh38 VCF-style: chr7-156791462-T-C. GRCh37 (hg19) VCF-style: chr7-156584156-T-C.
Other names: c.360+4927A>G (NM_001363412.2); c.144+4927A>G (NM_001350954.2); c.423+4927A>G (NM_001363410.2, NM_022458.4, NM_001363409.2 and 1 more transcripts); c.-112+4927A>G (NM_001350958.2, NM_001350956.2, NM_001350955.2 and 1 more transcripts); c.54+4927A>G (NM_001350957.2, NM_001363411.2).
Identifiers: ClinVar variation 3029691 (VCV003029691.2), dbSNP rs1829215456, ClinGen allele CA1755267017.

ClinVar aggregate classification (germline): Likely benign (0 of 4 stars; one submission).

Conditions:
SHH-related disorder. Also called: SHH-related condition; SHH-related disorders.

Submission:

PreventionGenetics, part of Exact Sciences
Classification: Likely benign for SHH-related condition. Last evaluated: 2021-09-24. Review status: no assertion criteria provided. Collection method: clinical testing. Allele origin: germline.
Comment: This variant is classified as likely benign based on ACMG/AMP sequence variant interpretation guidelines (Richards et al. 2015 PMID: 25741868, with internal and published modifications).